The following is an entry in ClinVar:

ClinVar aggregate classification (germline): Conflicting classifications of pathogenicity. Review status: criteria provided, conflicting classifications (1 of 4 stars). 4 submissions from 4 submitters: Uncertain significance (1); Benign (2); Likely benign (1). Last evaluated 2026-01-11.

Conditions:
Early-infantile DEE. Also called: Ohtahara syndrome; Early infantile epileptic encephalopathy; Early infantile epileptic encephalopathy with suppression bursts. Identifiers: Orphanet 1934, MedGen C0393706, MONDO:0800491.
Inborn genetic diseases. Identifiers: MedGen C0950123, MeSH D030342.
Developmental and epileptic encephalopathy, 5 (DEE5). Identifiers: Orphanet 3451, MedGen C3150731, MONDO:0013277, OMIM 613477.

Allele frequency attached by ClinVar (database versions not stated): gnomAD 0.00001; gnomAD exomes 0.00001; ExAC 0.00002; TOPMed 0.00002.
gnomAD v4.1: 18 of 1,614,050 alleles (0.0011%); highest among the groups gnomAD compares: African/African-American, 0.0067%; no homozygotes.

Submissions (4):

Labcorp Genetics (formerly Invitae), Labcorp
Classification: Benign for Early-infantile DEE. Last evaluated: 2026-01-11. Review status: criteria provided, single submitter. Criteria: Invitae Variant Classification Sherloc (09022015). Collection method: clinical testing. Allele origin: germline.

Ambry Genetics
Classification: Uncertain significance for Inborn genetic diseases. Last evaluated: 2023-12-22. Review status: criteria provided, single submitter. Criteria: Ambry Variant Classification Scheme 2023. Collection method: clinical testing. Allele origin: germline.

Genome-Nilou Lab
Classification: Benign for Developmental and epileptic encephalopathy, 5. Last evaluated: 2021-07-15. Review status: criteria provided, single submitter. Criteria: ACMG Guidelines, 2015. Collection method: clinical testing. Allele origin: germline. Affected: no.

GeneDx
Classification: Likely benign. Last evaluated: 2013-06-11. Review status: criteria provided, single submitter. Criteria: GeneDx Variant Classification (06012015). Collection method: clinical testing. Allele origin: germline. Affected: yes.
Comment: This variant is considered likely benign or benign based on one or more of the following criteria: it is a conservative change, it occurs at a poorly conserved position in the protein, it is predicted to be benign by multiple in silico algorithms, and/or has population frequency not consistent with disease.

NM_001130438.3(SPTAN1):c.416G>A (p.Arg139Gln)

Gene: SPTAN1 (spectrin alpha, non-erythrocytic 1; plus strand). Cytogenetic location: 9q34.11.
Variant type: single nucleotide variant.
Coding change: c.416G>A on transcript NM_001130438.3 (MANE Select); coding-DNA position 416, G replaced by A.
Protein change: p.Arg139Gln; replaces arginine 139 with glutamine.
Molecular consequence: missense variant.
Genome position (GRCh38, 1-based): chr9:128,574,727, G>A. VCF-style: chr9-128574727-G-A. GRCh37 (hg19) VCF-style: chr9-131337006-G-A.
Other names: p.R139Q:CGA>CAA; c.416G>A, p.Arg139Gln (NM_001195532.2, NM_001363759.2, NM_001363765.2 and 1 more transcripts); short protein forms R139Q.
Identifiers: ClinVar variation 207257 (VCV000207257.14), dbSNP rs773288631, ClinGen allele CA318555.